The following is an entry in ClinVar:

ClinVar aggregate classification (germline): Likely benign. Review status: criteria provided, multiple submitters, no conflicts (2 of 4 stars). 2 submissions from 2 submitters: Likely benign (2). Last evaluated 2018-06-16.

Allele frequency attached by ClinVar (database versions not stated): gnomAD 0.00967 and 0.01024; TOPMed 0.01127; 1000 Genomes Project 0.01258; 1000 Genomes Project 30x 0.01405.
gnomAD v4.1: 2,449 of 1,087,496 alleles (0.23%); highest among the groups gnomAD compares: African/African-American, 3.4%; 37 homozygotes.

Submissions (2):

GeneDx
Classification: Likely benign. Last evaluated: 2018-06-16. Review status: criteria provided, single submitter. Criteria: GeneDx Variant Classification (06012015). Collection method: clinical testing. Allele origin: germline. Affected: yes.
Comment: This variant is considered likely benign or benign based on one or more of the following criteria: it is a conservative change, it occurs at a poorly conserved position in the protein, it is predicted to be benign by multiple in silico algorithms, and/or has population frequency not consistent with disease.

Breakthrough Genomics
Classification: Likely benign. Review status: criteria provided, single submitter. Criteria: ACMG Guidelines, 2015. Collection method: not provided. Allele origin: germline. Inheritance: Autosomal dominant inheritance. Affected: yes.

NM_001759.4(CCND2):c.721-109C>T

Gene: CCND2 (cyclin D2; plus strand). Cytogenetic location: 12p13.32.
Variant type: single nucleotide variant.
Coding change: c.721-109C>T on transcript NM_001759.4 (MANE Select); 109 bases into the intron before coding-DNA position 721, C replaced by T.
Molecular consequence: intron variant.
Genome position (GRCh38, 1-based): chr12:4,299,751, C>T. VCF-style: chr12-4299751-C-T. GRCh37 (hg19) VCF-style: chr12-4408917-C-T.
Identifiers: ClinVar variation 677577 (VCV000677577.2), dbSNP rs3217919, ClinGen allele CA13704966.